The following is an entry in ClinVar:

NM_201596.3(CACNB2):c.1685G>A (p.Ser562Asn)

Gene: CACNB2 (calcium voltage-gated channel auxiliary subunit beta 2; plus strand). Cytogenetic location: 10p12.31.
Variant type: single nucleotide variant.
Coding change: c.1685G>A on transcript NM_201596.3 (MANE Select); coding-DNA position 1685, G replaced by A.
Protein change: p.Ser562Asn; replaces serine 562 with asparagine.
Molecular consequence: missense variant.
Genome position (GRCh38, 1-based): chr10:18,539,426, G>A. VCF-style: chr10-18539426-G-A. GRCh37 (hg19) VCF-style: chr10-18828355-G-A.
Other names: c.1520G>A, p.Ser507Asn (NM_000724.4); c.1487G>A, p.Ser496Asn (NM_001167945.2); c.1406G>A, p.Ser469Asn (NM_001330060.2); c.1427G>A, p.Ser476Asn (NM_001410882.1); c.1541G>A, p.Ser514Asn (NM_201570.3); c.1601G>A, p.Ser534Asn (NM_201571.4); c.1529G>A, p.Ser510Asn (NM_201572.4); c.1523G>A, p.Ser508Asn (NM_201590.3); and 2 more; short protein forms S469N, S476N, S496N, S507N, S508N, S510N, S514N, S524N.
Identifiers: ClinVar variation 3230193 (VCV003230193.1), dbSNP rs2494913678, ClinGen allele CA376071746.
Genomic context (GRCh38, chr10:18,539,426, plus strand): 5'-GCAGTGGGACAAGTCGCGGCCTCTCCAGGCAAGAGACATTTGACTCGGAAACCCAGGAGA[G>A]TCGAGACTCTGCCTACGTAGAGCCAAAGGAAGATTATTCCCATGACCACGTGGACCACTA-3'
Protein context (NP_963890.2, residues 552-572): QETFDSETQE[Ser562Asn]RDSAYVEPKE

ClinVar aggregate classification (germline): Uncertain significance (1 of 4 stars; one submission).

Conditions:
Cardiovascular phenotype. Identifiers: MedGen CN230736.

Submission:

Ambry Genetics
Classification: Uncertain significance for Cardiovascular phenotype. Last evaluated: 2023-11-26. Review status: criteria provided, single submitter. Criteria: Ambry Variant Classification Scheme 2023. Collection method: clinical testing. Allele origin: germline.
Comment: The p.S508N variant (also known as c.1523G>A), located in coding exon 13 of the CACNB2 gene, results from a G to A substitution at nucleotide position 1523. The serine at codon 508 is replaced by asparagine, an amino acid with highly similar properties. This amino acid position is conserved. In addition, this alteration is predicted to be tolerated by in silico analysis. Since supporting evidence is limited at this time, the clinical significance of this alteration remains unclear.